The following is an entry in ClinVar:

NM_014714.4(IFT140):c.94G>T (p.Val32Phe)

Genes: IFT140 (intraflagellar transport 140; minus strand), LOC105371046 (uncharacterized LOC105371046; plus strand). Cytogenetic location: 16p13.3.
Variant type: single nucleotide variant.
Coding change: c.94G>T on transcript NM_014714.4 (MANE Select); coding-DNA position 94, G replaced by T.
Protein change: p.Val32Phe; replaces valine 32 with phenylalanine.
Molecular consequence: missense variant.
Genome position (GRCh38, 1-based): chr16:1,607,173, C>A on the plus strand (G>T on the coding strand, the complement: IFT140 is on the minus strand). VCF-style: chr16-1607173-C-A. GRCh37 (hg19) VCF-style: chr16-1657174-C-A.
Other names: short protein forms V32F.
Identifiers: ClinVar variation 1952926 (VCV001952926.5), dbSNP rs770234866, ClinGen allele CA394194637.

ClinVar aggregate classification (germline): Uncertain significance (1 of 4 stars; one submission).

Conditions:
Saldino-Mainzer syndrome (SRTD9). Also called: Renal dysplasia, retinal pigmentary dystrophy, cerebellar ataxia and skeletal dysplasia; CONORENAL SYNDROME; short-rib thoracic dysplasia 9 with or without polydactyly; SHORT-RIB THORACIC DYSPLASIA 9 WITHOUT POLYDACTYLY. Identifiers: Orphanet 140969, MedGen C1849437, MONDO:0009964, OMIM 266920.

gnomAD v4.1: 2 of 1,614,164 alleles (0.00012%); highest among the groups gnomAD compares: African/African-American, 0.0013%; no homozygotes.

Submission:

Labcorp Genetics (formerly Invitae), Labcorp
Classification: Uncertain significance for Saldino-Mainzer syndrome. Last evaluated: 2023-04-05. Review status: criteria provided, single submitter. Criteria: Invitae Variant Classification Sherloc (09022015). Collection method: clinical testing. Allele origin: germline.
Comment: This sequence change replaces valine, which is neutral and non-polar, with phenylalanine, which is neutral and non-polar, at codon 32 of the IFT140 protein (p.Val32Phe). This variant is not present in population databases (gnomAD no frequency). This variant has not been reported in the literature in individuals affected with IFT140-related conditions. ClinVar contains an entry for this variant (Variation ID: 1952926). Advanced modeling of protein sequence and biophysical properties (such as structural, functional, and spatial information, amino acid conservation, physicochemical variation, residue mobility, and thermodynamic stability) has been performed at Invitae for this missense variant, however the output from this modeling did not meet the statistical confidence thresholds required to predict the impact of this variant on IFT140 protein function. In summary, the available evidence is currently insufficient to determine the role of this variant in disease. Therefore, it has been classified as a Variant of Uncertain Significance.